The following is an entry in ClinVar:

NM_005883.3(APC2):c.6811C>A (p.Pro2271Thr)

Gene: APC2 (APC regulator of WNT signaling pathway 2; plus strand). Cytogenetic location: 19p13.3.
Variant type: single nucleotide variant.
Coding change: c.6811C>A on transcript NM_005883.3 (MANE Select); coding-DNA position 6811, C replaced by A.
Protein change: p.Pro2271Thr; replaces proline 2271 with threonine.
Molecular consequence: missense variant.
Genome position (GRCh38, 1-based): chr19:1,470,112, C>A. VCF-style: chr19-1470112-C-A. GRCh37 (hg19) VCF-style: chr19-1470111-C-A.
Other names: c.6808C>A, p.Pro2270Thr (NM_001351273.1); short protein forms P2270T, P2271T.
Identifiers: ClinVar variation 1931029 (VCV001931029.3), dbSNP rs771322265, ClinGen allele CA403044656.

ClinVar aggregate classification (germline): Uncertain significance (1 of 4 stars; one submission).

gnomAD v4.1: 4 of 1,605,722 alleles (0.00025%); highest among the groups gnomAD compares: Non-Finnish European, 0.00017%; no homozygotes.

Submission:

Labcorp Genetics (formerly Invitae), Labcorp
Classification: Uncertain significance. Last evaluated: 2022-04-23. Review status: criteria provided, single submitter. Criteria: Invitae Variant Classification Sherloc (09022015). Collection method: clinical testing. Allele origin: germline.
Comment: In summary, the available evidence is currently insufficient to determine the role of this variant in disease. Therefore, it has been classified as a Variant of Uncertain Significance. Algorithms developed to predict the effect of missense changes on protein structure and function output the following: SIFT: "Tolerated"; PolyPhen-2: "Benign"; Align-GVGD: "Class C0". The threonine amino acid residue is found in multiple mammalian species, which suggests that this missense change does not adversely affect protein function. This variant has not been reported in the literature in individuals affected with APC2-related conditions. This variant is not present in population databases (gnomAD no frequency). This sequence change replaces proline, which is neutral and non-polar, with threonine, which is neutral and polar, at codon 2271 of the APC2 protein (p.Pro2271Thr).